The following is an entry in ClinVar:

ClinVar aggregate classification (germline): Likely benign (1 of 4 stars; one submission).

Submission:

CeGaT Center for Human Genetics Tuebingen
Classification: Likely benign. Last evaluated: 2026-04-01. Review status: criteria provided, single submitter. Criteria: CeGaT Center For Human Genetics Tuebingen Variant Classification Criteria Version 2. Collection method: clinical testing. Allele origin: germline. Affected: yes. Observed: 1 variant allele.
Comment: TRAPPC10: BP4, BP7

NM_003274.5(TRAPPC10):c.36C>A (p.Ile12=)

Genes: TRAPPC10 (trafficking protein particle complex subunit 10; plus strand), LOC130066806 (ATAC-STARR-seq lymphoblastoid silent region 13377; plus strand). Cytogenetic location: 21q22.3.
Variant type: single nucleotide variant.
Coding change: c.36C>A on transcript NM_003274.5 (MANE Select); coding-DNA position 36, C replaced by A.
Protein change: p.Ile12=; no amino-acid change (isoleucine 12 retained).
Molecular consequence: synonymous variant.
Genome position (GRCh38, 1-based): chr21:44,012,529, C>A. VCF-style: chr21-44012529-C-A. GRCh37 (hg19) VCF-style: chr21-45432410-C-A.
Identifiers: ClinVar variation 4872939 (VCV004872939.2).